The following is an entry in ClinVar:

NM_001256545.2(MEGF10):c.917G>A (p.Arg306Gln)

Gene: MEGF10 (multiple EGF like domains 10; plus strand). Cytogenetic location: 5q23.2.
Variant type: single nucleotide variant.
Coding change: c.917G>A on transcript NM_001256545.2 (MANE Select); coding-DNA position 917, G replaced by A.
Protein change: p.Arg306Gln; replaces arginine 306 with glutamine.
Molecular consequence: missense variant.
Genome position (GRCh38, 1-based): chr5:127,402,682, G>A. VCF-style: chr5-127402682-G-A. GRCh37 (hg19) VCF-style: chr5-126738374-G-A.
Other names: c.917G>A, p.Arg306Gln (NM_001308119.2, NM_001308121.2, NM_032446.3); short protein forms R306Q.
Identifiers: ClinVar variation 1314583 (VCV001314583.5), dbSNP rs986353158, ClinGen allele CA126934528.

ClinVar aggregate classification (germline): Conflicting classifications of pathogenicity. Review status: criteria provided, conflicting classifications (1 of 4 stars). 2 submissions from 2 submitters: Likely pathogenic (1); Uncertain significance (1). Last evaluated 2025-02-03.

Conditions:
MEGF10-related myopathy (CMYO10A). Also called: Congenital myopathy 10A, severe variant. Identifiers: Orphanet 439212, MedGen C3280679, MONDO:0013731, OMIM 614399.

Allele frequency attached by ClinVar (database versions not stated): gnomAD exomes 0.00001; gnomAD 0.00004 and 0.00005; TOPMed 0.00007.

Submissions (2):

GeneDx
Classification: Likely pathogenic. Last evaluated: 2025-02-03. Review status: criteria provided, single submitter. Criteria: GeneDx Variant Classification Process June 2021. Collection method: clinical testing. Allele origin: germline. Affected: yes.
Comment: Alters the last nucleotide of the exon and is predicted to destroy the splice donor site and result in aberrant splicing, although in the absence of functional evidence the actual effect of this sequence change is unknown; Not observed at significant frequency in large population cohorts (gnomAD); Has not been previously published as pathogenic or benign to our knowledge

Labcorp Genetics (formerly Invitae), Labcorp
Classification: Uncertain significance for MEGF10-related myopathy. Last evaluated: 2022-08-05. Review status: criteria provided, single submitter. Criteria: Invitae Variant Classification Sherloc (09022015). Collection method: clinical testing. Allele origin: germline.
Comment: This sequence change replaces arginine, which is basic and polar, with glutamine, which is neutral and polar, at codon 306 of the MEGF10 protein (p.Arg306Gln). This variant also falls at the last nucleotide of exon 9, which is part of the consensus splice site for this exon. This variant is present in population databases (no rsID available, gnomAD 0.02%). This variant has not been reported in the literature in individuals affected with MEGF10-related conditions. ClinVar contains an entry for this variant (Variation ID: 1314583). Algorithms developed to predict the effect of missense changes on protein structure and function are either unavailable or do not agree on the potential impact of this missense change (SIFT: "Deleterious"; PolyPhen-2: "Benign"; Align-GVGD: "Class C35"). Variants that disrupt the consensus splice site are a relatively common cause of aberrant splicing (PMID: 17576681, 9536098). Algorithms developed to predict the effect of sequence changes on RNA splicing suggest that this variant may disrupt the consensus splice site. In summary, the available evidence is currently insufficient to determine the role of this variant in disease. Therefore, it has been classified as a Variant of Uncertain Significance.

Literature cited by the submitters: PubMed 17576681 (cited by Labcorp Genetics (formerly Invitae), Labcorp); PubMed 9536098 (cited by Labcorp Genetics (formerly Invitae), Labcorp).